The following is an entry in ClinVar:

NM_000517.6(HBA2):c.*39C>G

Genes: HBA2 (hemoglobin subunit alpha 2; plus strand), LOC106804612 (hemoglobin subunit alpha 2 recombination region; plus strand). Cytogenetic location: 16p13.3.
Variant type: single nucleotide variant.
Coding change: c.*39C>G on transcript NM_000517.6 (MANE Select); 39 bases downstream of the stop codon, C replaced by G.
Molecular consequence: 3 prime UTR variant.
Genome position (GRCh38, 1-based): chr16:173,639, C>G. VCF-style: chr16-173639-C-G. GRCh37 (hg19) VCF-style: chr16-223638-C-G.
Identifiers: ClinVar variation 3054144 (VCV003054144.2), dbSNP rs1902066771, ClinGen allele CA2740096797.

ClinVar aggregate classification (germline): Likely benign (0 of 4 stars; one submission).

Conditions:
HBA2-related disorder. Also called: HBA2-related condition.

Submission:

PreventionGenetics, part of Exact Sciences
Classification: Likely benign for HBA2-related condition. Last evaluated: 2022-11-11. Review status: no assertion criteria provided. Collection method: clinical testing. Allele origin: germline.
Comment: This variant is classified as likely benign based on ACMG/AMP sequence variant interpretation guidelines (Richards et al. 2015 PMID: 25741868, with internal and published modifications).